The following is an entry in ClinVar:

NM_001130823.3(DNMT1):c.2707G>A (p.Asp903Asn)

Gene: DNMT1 (DNA methyltransferase 1; minus strand). Cytogenetic location: 19p13.2.
Variant type: single nucleotide variant.
Coding change: c.2707G>A on transcript NM_001130823.3 (MANE Select); coding-DNA position 2707, G replaced by A.
Protein change: p.Asp903Asn; replaces aspartic acid 903 with asparagine.
Molecular consequence: missense variant.
Genome position (GRCh38, 1-based): chr19:10,148,897, C>T on the plus strand (G>A on the coding strand, the complement: DNMT1 is on the minus strand). VCF-style: chr19-10148897-C-T. GRCh37 (hg19) VCF-style: chr19-10259573-C-T.
Other names: c.2659G>A, p.Asp887Asn (NM_001318730.2, NM_001379.4); c.2344G>A, p.Asp782Asn (NM_001318731.2); short protein forms D782N, D887N, D903N.
Identifiers: ClinVar variation 2102254 (VCV002102254.4), dbSNP rs2038267123, ClinGen allele CA403926169.

ClinVar aggregate classification (germline): Uncertain significance (1 of 4 stars; one submission).

Conditions:
Hereditary sensory neuropathy-deafness-dementia syndrome. Also called: HSN IE; Hereditary sensory neuropathy type IE; Hereditary Sensory and Autonomic Neuropathy Type 1E (HSAN1E); NEUROPATHY, HEREDITARY SENSORY, WITH HEARING LOSS AND DEMENTIA. Identifiers: Orphanet 456318, MedGen C3279885, MONDO:0013584, OMIM 614116.

Allele frequency attached by ClinVar (database versions not stated): gnomAD 0.00001.
gnomAD v4.1: 1 of 1,614,042 alleles (0.000062%); highest among the groups gnomAD compares: South Asian, 0.0011%; no homozygotes.

Submission:

Labcorp Genetics (formerly Invitae), Labcorp
Classification: Uncertain significance for Hereditary sensory neuropathy-deafness-dementia syndrome. Last evaluated: 2022-02-22. Review status: criteria provided, single submitter. Criteria: Invitae Variant Classification Sherloc (09022015). Collection method: clinical testing. Allele origin: germline.
Comment: This sequence change replaces aspartic acid, which is acidic and polar, with asparagine, which is neutral and polar, at codon 903 of the DNMT1 protein (p.Asp903Asn). In summary, the available evidence is currently insufficient to determine the role of this variant in disease. Therefore, it has been classified as a Variant of Uncertain Significance. Algorithms developed to predict the effect of missense changes on protein structure and function are either unavailable or do not agree on the potential impact of this missense change (SIFT: "Deleterious"; PolyPhen-2: "Benign"; Align-GVGD: "Class C0"). This variant has not been reported in the literature in individuals affected with DNMT1-related conditions. This variant is not present in population databases (gnomAD no frequency).